The following is an entry in ClinVar:

ClinVar aggregate classification (germline): Likely pathogenic (1 of 4 stars; one submission).

Conditions:
Autosomal recessive distal spinal muscular atrophy 1. Also called: SEVERE INFANTILE AXONAL NEUROPATHY WITH RESPIRATORY FAILURE; SPINAL MUSCULAR ATROPHY, DIAPHRAGMATIC; Spinal muscular atrophy with respiratory distress 1; HMN VI; NEURONOPATHY, SEVERE INFANTILE AXONAL, WITH RESPIRATORY FAILURE; NEURONOPATHY, DISTAL HEREDITARY MOTOR, HARDING TYPE VI. Identifiers: Orphanet 98920, MedGen C1858517, MONDO:0011436, OMIM 604320.
Charcot-Marie-Tooth disease axonal type 2S. Also called: CHARCOT-MARIE-TOOTH DISEASE, AXONAL, AUTOSOMAL RECESSIVE, TYPE 2S; CHARCOT-MARIE-TOOTH NEUROPATHY, TYPE 2S. Identifiers: Orphanet 443073, MedGen C4015349, MONDO:0014511, OMIM 616155.

Allele frequency attached by ClinVar (database versions not stated): gnomAD exomes below 0.00001; ExAC 0.00001.
gnomAD v4.1: 5 of 1,614,086 alleles (0.00031%); highest among the groups gnomAD compares: East Asian, 0.0045%; no homozygotes.

Submission:

Labcorp Genetics (formerly Invitae), Labcorp
Classification: Likely pathogenic for Autosomal recessive distal spinal muscular atrophy 1; Charcot-Marie-Tooth disease axonal type 2S. Last evaluated: 2025-03-17. Review status: criteria provided, single submitter. Criteria: Invitae Variant Classification Sherloc (09022015). Collection method: clinical testing. Allele origin: germline.
Comment: This sequence change replaces aspartic acid, which is acidic and polar, with glycine, which is neutral and non-polar, at codon 295 of the IGHMBP2 protein (p.Asp295Gly). This variant is present in population databases (rs759987473, gnomAD 0.003%). This missense change has been observed in individual(s) with clinical features of IGHMBP2-related conditions (PMID: 38772550; internal data). In at least one individual the data is consistent with being in trans (on the opposite chromosome) from a pathogenic variant. ClinVar contains an entry for this variant (Variation ID: 841985). Invitae Evidence Modeling of protein sequence and biophysical properties (such as structural, functional, and spatial information, amino acid conservation, physicochemical variation, residue mobility, and thermodynamic stability) indicates that this missense variant is not expected to disrupt IGHMBP2 protein function with a negative predictive value of 95%. Algorithms developed to predict the effect of sequence changes on RNA splicing suggest that this variant may disrupt the consensus splice site. In summary, the currently available evidence indicates that the variant is pathogenic, but additional data are needed to prove that conclusively. Therefore, this variant has been classified as Likely Pathogenic.

Literature cited by the submitters: PubMed 38772550.

NM_002180.3(IGHMBP2):c.884A>G (p.Asp295Gly)

Gene: IGHMBP2 (immunoglobulin mu DNA binding protein 2; plus strand). Cytogenetic location: 11q13.3.
Variant type: single nucleotide variant.
Coding change: c.884A>G on transcript NM_002180.3 (MANE Select); coding-DNA position 884, A replaced by G.
Protein change: p.Asp295Gly; replaces aspartic acid 295 with glycine.
Molecular consequence: missense variant.
Genome position (GRCh38, 1-based): chr11:68,914,995, A>G. VCF-style: chr11-68914995-A-G. GRCh37 (hg19) VCF-style: chr11-68682463-A-G.
Other names: short protein forms D295G.
Identifiers: ClinVar variation 841985 (VCV000841985.8), dbSNP rs759987473, ClinGen allele CA6153423.
Genomic context (GRCh38, chr11:68,914,995, plus strand): 5'-TTCAGCAGCACTCCCTGGATGCGGTTTTAGCGCGGAGCGACAGTGCCCAGATTGTTGCAG[A>G]TATCAGGAAGGACATCGACCAGGTCTTTGTAGGTGTCATGGCCAGTGTCCATGTGGGGCG-3'
Protein context (NP_002171.2, residues 285-305): ARSDSAQIVA[Asp295Gly]IRKDIDQVFV